The following is an entry in ClinVar:

NM_002087.4(GRN):c.1388G>A (p.Ser463Asn)

Gene: GRN (granulin precursor; plus strand). Cytogenetic location: 17q21.31.
Variant type: single nucleotide variant.
Coding change: c.1388G>A on transcript NM_002087.4 (MANE Select); coding-DNA position 1388, G replaced by A.
Protein change: p.Ser463Asn; replaces serine 463 with asparagine.
Molecular consequence: missense variant.
Genome position (GRCh38, 1-based): chr17:44,352,223, G>A. VCF-style: chr17-44352223-G-A. GRCh37 (hg19) VCF-style: chr17-42429591-G-A.
Other names: short protein forms S463N.
Identifiers: ClinVar variation 1771458 (VCV001771458.2), dbSNP rs755717133, ClinGen allele CA8602183.

ClinVar aggregate classification (germline): Uncertain significance (1 of 4 stars; one submission).

Conditions:
Inborn genetic diseases. Identifiers: MedGen C0950123, MeSH D030342.

Allele frequency attached by ClinVar (database versions not stated): gnomAD exomes below 0.00001; ExAC 0.00001.

Submission:

Ambry Genetics
Classification: Uncertain significance for Inborn genetic diseases. Last evaluated: 2017-11-01. Review status: criteria provided, single submitter. Criteria: Ambry Variant Classification Scheme 2023. Collection method: clinical testing. Allele origin: germline.
Comment: The p.S463N variant (also known as c.1388G>A), located in coding exon 10 of the GRN gene, results from a G to A substitution at nucleotide position 1388. The serine at codon 463 is replaced by asparagine, an amino acid with highly similar properties. This amino acid position is not well conserved in available vertebrate species. In addition, this alteration is predicted to be tolerated by in silico analysis. Since supporting evidence is limited at this time, the clinical significance of this alteration remains unclear.